The following is an entry in ClinVar:

NM_020338.4(ZMIZ1):c.474C>A (p.Asn158Lys)

Gene: ZMIZ1 (zinc finger MIZ-type containing 1; plus strand). Cytogenetic location: 10q22.3.
Variant type: single nucleotide variant.
Coding change: c.474C>A on transcript NM_020338.4 (MANE Select); coding-DNA position 474, C replaced by A.
Protein change: p.Asn158Lys; replaces asparagine 158 with lysine.
Molecular consequence: missense variant.
Genome position (GRCh38, 1-based): chr10:79,289,823, C>A. VCF-style: chr10-79289823-C-A. GRCh37 (hg19) VCF-style: chr10-81049580-C-A.
Other names: short protein forms N158K.
Identifiers: ClinVar variation 3650895 (VCV003650895.2).

ClinVar aggregate classification (germline): Uncertain significance (1 of 4 stars; one submission).

Submission:

Labcorp Genetics (formerly Invitae), Labcorp
Classification: Uncertain significance. Last evaluated: 2024-04-25. Review status: criteria provided, single submitter. Criteria: Invitae Variant Classification Sherloc (09022015). Collection method: clinical testing. Allele origin: germline.
Comment: This sequence change replaces asparagine, which is neutral and polar, with lysine, which is basic and polar, at codon 158 of the ZMIZ1 protein (p.Asn158Lys). This variant is not present in population databases (gnomAD no frequency). This variant has not been reported in the literature in individuals affected with ZMIZ1-related conditions. Advanced modeling of protein sequence and biophysical properties (such as structural, functional, and spatial information, amino acid conservation, physicochemical variation, residue mobility, and thermodynamic stability) performed at Invitae indicates that this missense variant is expected to disrupt ZMIZ1 protein function with a positive predictive value of 80%. In summary, the available evidence is currently insufficient to determine the role of this variant in disease. Therefore, it has been classified as a Variant of Uncertain Significance.